The following is an entry in ClinVar:

NM_004656.4(BAP1):c.1338C>T (p.Asn446=)

Gene: BAP1 (BRCA1 associated deubiquitinase 1; minus strand). Cytogenetic location: 3p21.1.
Variant type: single nucleotide variant.
Coding change: c.1338C>T on transcript NM_004656.4 (MANE Select); coding-DNA position 1338, C replaced by T.
Protein change: p.Asn446=; no amino-acid change (asparagine 446 retained).
Molecular consequence: synonymous variant.
Genome position (GRCh38, 1-based): chr3:52,403,807, G>A on the plus strand (C>T on the coding strand, the complement: BAP1 is on the minus strand). VCF-style: chr3-52403807-G-A. GRCh37 (hg19) VCF-style: chr3-52437823-G-A.
Other names: c.1338C>T (LRG_529t1).
Identifiers: ClinVar variation 346119 (VCV000346119.26), dbSNP rs763735807, ClinGen allele CA2436820.
Genomic context (GRCh38, chr3:52,403,807, plus strand): 5'-CTTGATGGACAGAGGAATTGAGAGGTCCTTCTGGGACTCTTTGAGCTTCTCAGCCAAGAC[G>A]TTGATGGTGTTGGGCTGCAGCACTGACAGTTGCCCATCAGCAGAACCGCTCAATGCCCCT-3'
Protein context (NP_004647.1, residues 436-456): QLSVLQPNTI[Asn446=]VLAEKLKESQ

ClinVar aggregate classification (germline): Benign/Likely benign. Review status: criteria provided, multiple submitters, no conflicts (2 of 4 stars). 8 submissions from 8 submitters: Benign (3); Likely benign (4). 1 of the submissions does not count toward it. Last evaluated 2026-01-13.

Conditions:
BAP1-related disorder. Also called: BAP1-related condition.
Hereditary cancer-predisposing syndrome. Also called: Neoplastic Syndromes, Hereditary; Tumor predisposition; Hereditary neoplastic syndrome; Hereditary Cancer Syndrome. Identifiers: Orphanet 140162, MedGen C0027672, MeSH D009386, MONDO:0015356.
BAP1-related tumor predisposition syndrome (TPDS1). Also called: Tumor susceptibility linked to germline BAP1 mutations; BAP1 tumor predisposition syndrome; TUMOR PREDISPOSITION SYNDROME 1; COMMON Syndrome. Identifiers: Orphanet 289539, MedGen C3280492, MONDO:0013692, OMIM 614327.

Allele frequency attached by ClinVar (database versions not stated): gnomAD 0.00005; TOPMed 0.00006; ExAC 0.00011; gnomAD exomes 0.00011.
gnomAD v4.1: 63 of 1,614,004 alleles (0.0039%); highest among the groups gnomAD compares: East Asian, 0.053%; no homozygotes.

Submissions (8):

Labcorp Genetics (formerly Invitae), Labcorp
Classification: Likely benign for BAP1-related tumor predisposition syndrome. Last evaluated: 2026-01-13. Review status: criteria provided, single submitter. Criteria: Invitae Variant Classification Sherloc (09022015). Collection method: clinical testing. Allele origin: germline.

Quest Diagnostics Nichols Institute San Juan Capistrano
Classification: Benign. Last evaluated: 2025-04-10. Review status: criteria provided, single submitter. Criteria: Quest Diagnostics criteria. Collection method: clinical testing. Allele origin: unknown.

Myriad Genetics, Inc.
Classification: Benign for BAP1-related tumor predisposition syndrome. Last evaluated: 2024-07-16. Review status: criteria provided, single submitter. Criteria: Myriad Autosomal Dominant, Autosomal Recessive and X-Linked Classification Criteria (2023). Collection method: clinical testing. Allele origin: unknown.
Comment: This variant is considered benign. This variant is a silent/synonymous amino acid change and it is not expected to impact splicing.

GeneDx
Classification: Likely benign. Last evaluated: 2019-11-25. Review status: criteria provided, single submitter. Criteria: GeneDx Variant Classification Process June 2021. Collection method: clinical testing. Allele origin: germline. Affected: yes.

Illumina Laboratory Services, Illumina
Classification: Benign for BAP1-related tumor predisposition syndrome. Last evaluated: 2018-01-13. Review status: criteria provided, single submitter. Criteria: ICSL Variant Classification Criteria 13 December 2019. Collection method: clinical testing. Allele origin: germline.
Comment: This variant was observed in the ICSL laboratory as part of a predisposition screen in an ostensibly healthy population. It had not been previously curated by ICSL or reported in the Human Gene Mutation Database (HGMD: prior to June 1st, 2018), and was therefore a candidate for classification through an automated scoring system. Utilizing variant allele frequency, disease prevalence and penetrance estimates, and inheritance mode, an automated score was calculated to assess if this variant is too frequent to cause the disease. Based on the score and internal cut-off values, a variant classified as benign is not then subjected to further curation. The score for this variant resulted in a classification of benign for this disease.

Color Diagnostics, LLC DBA Color Health
Classification: Likely benign for Hereditary cancer-predisposing syndrome. Last evaluated: 2016-10-03. Review status: criteria provided, single submitter. Criteria: ACMG Guidelines, 2015. Collection method: clinical testing. Allele origin: germline.

Ambry Genetics
Classification: Likely benign for Hereditary cancer-predisposing syndrome. Last evaluated: 2016-08-01. Review status: criteria provided, single submitter. Criteria: Ambry Variant Classification Scheme 2023. Collection method: clinical testing. Allele origin: germline.

PreventionGenetics, part of Exact Sciences
Classification: Likely benign for BAP1-related condition. Last evaluated: 2019-05-24. Review status: no assertion criteria provided. Collection method: clinical testing. Allele origin: germline. Not counted in ClinVar's aggregate classification.
Comment: This variant is classified as likely benign based on ACMG/AMP sequence variant interpretation guidelines (Richards et al. 2015 PMID: 25741868, with internal and published modifications).